The following is an entry in ClinVar:

ClinVar aggregate classification (germline): Benign/Likely benign. Review status: criteria provided, multiple submitters, no conflicts (2 of 4 stars). 7 submissions from 7 submitters: Benign (2); Likely benign (2). 3 of the submissions do not count toward it. Last evaluated 2026-01-28.

Conditions:
RTEL1-related disorder. Also called: RTEL1-related condition; RTEL1-related disorders.
Dyskeratosis congenita. Identifiers: Orphanet 1775, MedGen C0265965, MONDO:0015780.
Dyskeratosis congenita, autosomal recessive 5 (DKCB5). Identifiers: MedGen C3554656, MONDO:0014076, OMIM 615190.
Pulmonary fibrosis and/or bone marrow failure, Telomere-related, 3. Also called: PULMONARY FIBROSIS AND/OR BONE MARROW FAILURE SYNDROME, TELOMERE-RELATED, 3. Identifiers: Orphanet 2032, MedGen C4225346, MONDO:0014613, OMIM 616373.

Submissions (7):

Labcorp Genetics (formerly Invitae), Labcorp
Classification: Benign for Dyskeratosis congenita, autosomal recessive 5; Pulmonary fibrosis and/or bone marrow failure, Telomere-related, 3. Last evaluated: 2026-01-28. Review status: criteria provided, single submitter. Criteria: Invitae Variant Classification Sherloc (09022015). Collection method: clinical testing. Allele origin: germline.

Women's Health and Genetics/Laboratory Corporation of America, LabCorp
Classification: Benign. Last evaluated: 2025-01-17. Review status: criteria provided, single submitter. Criteria: LabCorp Variant Classification Summary - May 2015. Collection method: clinical testing. Allele origin: germline.
Comment: Variant summary: RTEL1 c.3065-8_3065-6delTTC alters a nucleotide located close to a canonical splice site and therefore could affect mRNA splicing, leading to a significantly altered protein sequence. Consensus agreement among computation tools predict no significant impact on normal splicing. However, these predictions have yet to be confirmed by functional studies. The variant allele was found at a frequency of 0.00062 in 246906 control chromosomes, predominantly at a frequency of 0.0027 within the South Asian subpopulation in the gnomAD database, including 2 homozygotes. The observed variant frequency within South Asian control individuals in the gnomAD database is approximately 2.4 fold of the estimated maximal expected allele frequency for a pathogenic variant in RTEL1 causing Dyskeratosis Congenita (Hoyeraal Hreidarsson Syndrome) phenotype (0.0011). To our knowledge, no occurrence of c.3065-8_3065-6delTTC in individuals affected with Dyskeratosis Congenita (Hoyeraal Hreidarsson Syndrome) and no experimental evidence demonstrating its impact on protein function have been reported. ClinVar contains an entry for this variant (Variation ID: 727778). Based on the evidence outlined above, the variant was classified as benign.

Blueprint Genetics
Classification: Likely benign. Last evaluated: 2024-10-24. Review status: criteria provided, single submitter. Criteria: ACMG Guidelines, 2015. Collection method: clinical testing. Allele origin: germline.

Sema4
Classification: Likely benign for Dyskeratosis congenita. Last evaluated: 2021-04-06. Review status: criteria provided, single submitter. Criteria: Sema4 Curation Guidelines. Collection method: curation. Allele origin: germline.

Genetic Services Laboratory, University of Chicago
Classification: Likely benign. Last evaluated: 2022-02-01. Review status: no assertion criteria provided. Collection method: clinical testing. Allele origin: germline. Affected: no. Not counted in ClinVar's aggregate classification.

PreventionGenetics, part of Exact Sciences
Classification: Likely benign for RTEL1-related condition. Last evaluated: 2021-11-08. Review status: no assertion criteria provided. Collection method: clinical testing. Allele origin: germline. Not counted in ClinVar's aggregate classification.
Comment: This variant is classified as likely benign based on ACMG/AMP sequence variant interpretation guidelines (Richards et al. 2015 PMID: 25741868, with internal and published modifications).

Natera, Inc.
Classification: Likely benign for Dyskeratosis congenita. Last evaluated: 2020-01-17. Review status: no assertion criteria provided. Collection method: clinical testing. Allele origin: germline. Not counted in ClinVar's aggregate classification.

NM_001283009.2(RTEL1):c.2993-8_2993-6del

Genes: RTEL1 (regulator of telomere elongation helicase 1; plus strand), RTEL1-TNFRSF6B (RTEL1-TNFRSF6B readthrough (NMD candidate); plus strand). Cytogenetic location: 20q13.33.
Variant type: Deletion.
Coding change: c.2993-8_2993-6del on transcript NM_001283009.2 (MANE Select); 8 bases into the intron before coding-DNA position 2993 through 6 bases into the intron before coding-DNA position 2993, 3 bases deleted (TTC; older notation c.2993-8_2993-6delTTC).
Molecular consequence: intron variant.
Genome position (GRCh38, 1-based): chr20:63,694,364-63,694,366, TTC deleted; deleting any 3 consecutive bases within chr20:63,694,362-63,694,366 gives the same sequence; the c. name uses the placement nearest the transcript's 3' end. VCF-style (leftmost placement, unchanged base first): chr20-63694361-CTCT-C. GRCh37 (hg19) VCF-style: chr20-62325714-CTCT-C.
Other names: c.2993-10_2993-8delTCT (NM_001283009.1); c.3065-8_3065-6delTTC (NM_032957.4, NM_032957.5); c.2324-8_2324-6del (NM_001283010.1); c.3065-8_3065-6del (NM_032957.5); c.2993-8_2993-6del (NM_016434.4).
Identifiers: ClinVar variation 727778 (VCV000727778.19), dbSNP rs761735369, ClinGen allele CA9965782.